The following is an entry in ClinVar:

NM_032119.4(ADGRV1):c.1176_1179del (p.Leu393fs)

Gene: ADGRV1 (adhesion G protein-coupled receptor V1; plus strand). Cytogenetic location: 5q14.3.
Variant type: Deletion.
Coding change: c.1176_1179del on transcript NM_032119.4 (MANE Select); coding-DNA positions 1176 to 1179, 4 bases deleted (CCTT; older notation c.1176_1179delCCTT).
Protein change: p.Leu393fs; shifts the reading frame from leucine 393.
Molecular consequence: frameshift variant. On other transcripts: non-coding transcript variant (1).
Genome position (GRCh38, 1-based): chr5:90,627,714-90,627,717, CCTT deleted; deleting any 4 consecutive bases within chr5:90,627,713-90,627,717 gives the same sequence; the c. name uses the placement nearest the transcript's 3' end. VCF-style (leftmost placement, unchanged base first): chr5-90627712-GTCCT-G. GRCh37 (hg19) VCF-style: chr5-89923529-GTCCT-G.
Other names: c.1176_1179delCCTT (NM_032119.3); short protein forms L393fs.
Identifiers: ClinVar variation 1387096 (VCV001387096.7), dbSNP rs1166741724, ClinGen allele CA815343642.
Genomic context (GRCh38, chr5:90,627,712, plus strand): 5'-GTGCTAATAAGCCCTTCTGTTGTACAAGTCACCATTAAGCCAAATGATAAACCTTATGGA[GTCCT>G]TTCATTCAACAGTGTTTTGTTTGAAAGGACAGTTATAATTGATGAAGATAGAATATCAAG-3'

ClinVar aggregate classification (germline): Pathogenic/Likely pathogenic. Review status: criteria provided, multiple submitters, no conflicts (2 of 4 stars). 3 submissions from 3 submitters: Pathogenic (1); Likely pathogenic (2). Last evaluated 2023-05-10.

Conditions:
ADGRV1-related disorder. Also called: ADGRV1-related disorders; ADGRV1-related condition.

Submissions (3):

PreventionGenetics, part of Exact Sciences
Classification: Likely pathogenic for ADGRV1-related condition. Last evaluated: 2023-05-10. Review status: criteria provided, single submitter. Criteria: ACMG Guidelines, 2015. Collection method: clinical testing. Allele origin: germline.
Comment: The ADGRV1 c.1176_1179delCCTT variant is predicted to result in a frameshift and premature protein termination (p.Leu393Hisfs*12). To our knowledge, this variant has not been reported in the literature. This variant has not been reported in a large population database, indicating this variant is rare. Frameshift variants in ADGRV1 are expected to be pathogenic. This variant is interpreted as likely pathogenic.

Labcorp Genetics (formerly Invitae), Labcorp
Classification: Pathogenic. Last evaluated: 2022-07-26. Review status: criteria provided, single submitter. Criteria: Invitae Variant Classification Sherloc (09022015). Collection method: clinical testing. Allele origin: germline.
Comment: This variant has not been reported in the literature in individuals affected with ADGRV1-related conditions. For these reasons, this variant has been classified as Pathogenic. ClinVar contains an entry for this variant (Variation ID: 1387096). This variant is not present in population databases (gnomAD no frequency). This sequence change creates a premature translational stop signal (p.Leu393Hisfs*12) in the ADGRV1 gene. It is expected to result in an absent or disrupted protein product. Loss-of-function variants in ADGRV1 are known to be pathogenic (PMID: 19357117, 22135276, 22147658, 26226137, 30718709, 31047384, 32467589).

Blueprint Genetics
Classification: Likely pathogenic for ADGRV1-related disorders. Last evaluated: 2021-01-04. Review status: criteria provided, single submitter. Criteria: ACMG Guidelines, 2015. Collection method: clinical testing. Allele origin: germline. Affected: yes. Observed: 2 variant alleles.

Literature cited by the submitters: PubMed 19357117 (cited by Labcorp Genetics (formerly Invitae), Labcorp); PubMed 22135276 (cited by Labcorp Genetics (formerly Invitae), Labcorp); PubMed 22147658 (cited by Labcorp Genetics (formerly Invitae), Labcorp); PubMed 26226137 (cited by Labcorp Genetics (formerly Invitae), Labcorp); PubMed 30718709 (cited by Labcorp Genetics (formerly Invitae), Labcorp); PubMed 31047384 (cited by Labcorp Genetics (formerly Invitae), Labcorp); PubMed 32467589 (cited by Labcorp Genetics (formerly Invitae), Labcorp).